The following is an entry in ClinVar:

ClinVar aggregate classification (germline): Uncertain significance. Review status: criteria provided, multiple submitters, no conflicts (2 of 4 stars). 3 submissions from 3 submitters: Uncertain significance (3). Last evaluated 2025-03-18.

Conditions:
ATM-related cancer predisposition. Also called: ATM-related cancer susceptibility. Identifiers: MedGen CN377759, MONDO:0700270.
Ataxia-telangiectasia syndrome (AT). Also called: Cerebello-oculocutaneous telangiectasia; Immunodeficiency with ataxia telangiectasia; Ataxia-telangiectasia, complementation group E; Ataxia-telangiectasia, complementation group D; AT, COMPLEMENTATION GROUP C; ATAXIA-TELANGIECTASIA, COMPLEMENTATION GROUP A. Identifiers: Orphanet 100, MedGen C0004135, MONDO:0008840, OMIM 208900.

Submissions (3):

Dasa
Classification: Uncertain significance for ATM-related cancer predisposition. Last evaluated: 2025-03-18. Review status: criteria provided, single submitter. Criteria: DASA Assertion Criteria. Collection method: clinical testing. Allele origin: germline.
Comment: NM_000051.4(ATM):c.6677T>C (p.Leu2226Pro) is a missense variant that results in the substitution of leucine with proline. This variant is absent from population databases. The currently available literature and clinical evidence are not sufficient to establish a definitive association between this variant and the reported condition. Therefore, this variant is classified as a variant of uncertain significance.

Labcorp Genetics (formerly Invitae), Labcorp
Classification: Uncertain significance for Ataxia-telangiectasia syndrome. Last evaluated: 2018-09-12. Review status: criteria provided, single submitter. Criteria: Invitae Variant Classification Sherloc (09022015). Collection method: clinical testing. Allele origin: germline.
Comment: This variant is not present in population databases (ExAC no frequency). This sequence change replaces leucine with proline at codon 2226 of the ATM protein (p.Leu2226Pro). The leucine residue is highly conserved and there is a moderate physicochemical difference between leucine and proline. This variant has not been reported in the literature in individuals with ATM-related disease. In summary, the available evidence is currently insufficient to determine the role of this variant in disease. Therefore, it has been classified as a Variant of Uncertain Significance. Algorithms developed to predict the effect of missense changes on protein structure and function (SIFT, PolyPhen-2, Align-GVGD) all suggest that this variant is likely to be disruptive, but these predictions have not been confirmed by published functional studies and their clinical significance is uncertain.

Mendelics
Classification: Uncertain significance for Ataxia-telangiectasia syndrome. Last evaluated: 2018-07-02. Review status: criteria provided, single submitter. Criteria: Mendelics Assertion Criteria 2017. Collection method: clinical testing. Allele origin: unknown.

NM_000051.4(ATM):c.6677T>C (p.Leu2226Pro)

Genes: ATM (ATM serine/threonine kinase; plus strand), C11orf65 (chromosome 11 open reading frame 65; minus strand). Cytogenetic location: 11q22.3.
Variant type: single nucleotide variant.
Coding change: c.6677T>C on transcript NM_000051.4 (MANE Select); coding-DNA position 6677, T replaced by C.
Protein change: p.Leu2226Pro; replaces leucine 2226 with proline.
Molecular consequence: missense variant. On other transcripts: intron variant (2).
Genome position (GRCh38, 1-based): chr11:108,325,414, T>C. VCF-style: chr11-108325414-T-C. GRCh37 (hg19) VCF-style: chr11-108196141-T-C.
Other names: c.6677T>C, p.Leu2226Pro (NM_001351834.2); c.641-16343A>G (NM_001330368.2); c.*38+9806A>G (NM_001351110.2); short protein forms L2226P.
Identifiers: ClinVar variation 584798 (VCV000584798.13), dbSNP rs1565518489, ClinGen allele CA382554878.